The following is an entry in ClinVar:

ClinVar aggregate classification (germline): Uncertain significance (1 of 4 stars; one submission).

gnomAD v4.1: 3 of 1,613,836 alleles (0.00019%); highest among the groups gnomAD compares: Admixed American, 0.0017%; no homozygotes.

Submission:

Dasa
Classification: Uncertain significance. Last evaluated: 2026-07-04. Review status: criteria provided, single submitter. Criteria: DASA Assertion Criteria. Collection method: clinical testing. Allele origin: germline.
Comment: NM_004409.5(DMPK):c.554C>T (p.Ser185Leu) is a missense variant that results in the substitution of serine with leucine. This variant is rare in population databases. The currently available literature and clinical evidence are not sufficient to establish a definitive association between this variant and the reported condition. Therefore, this variant is classified as a variant of uncertain significance.

NM_004409.5(DMPK):c.554C>T (p.Ser185Leu)

Gene: DMPK (DM1 protein kinase; minus strand). Cytogenetic location: 19q13.32.
Variant type: single nucleotide variant.
Coding change: c.554C>T on transcript NM_004409.5 (MANE Select); coding-DNA position 554, C replaced by T.
Protein change: p.Ser185Leu; replaces serine 185 with leucine.
Molecular consequence: missense variant.
Genome position (GRCh38, 1-based): chr19:45,778,520, G>A on the plus strand (C>T on the coding strand, the complement: DMPK is on the minus strand). VCF-style: chr19-45778520-G-A. GRCh37 (hg19) VCF-style: chr19-46281778-G-A.
Other names: c.554C>T, p.Ser185Leu (NM_001081560.3, NM_001081562.3, NM_001288766.2 and 5 more transcripts); c.584C>T, p.Ser195Leu (NM_001081563.3); c.632C>T, p.Ser211Leu (NM_001288764.2, NM_001424163.1); c.287C>T, p.Ser96Leu (NM_001288765.2); c.113C>T, p.Ser38Leu (NM_001424166.1); short protein forms S185L, S195L, S211L, S38L, S96L.
Identifiers: ClinVar variation 5020259 (VCV005020259.1).